The following is an entry in ClinVar:

ClinVar aggregate classification (germline): Likely pathogenic (1 of 4 stars; one submission).

Conditions:
Hydrocephalus, nonsyndromic, autosomal recessive 1 (HYC1). Also called: Hydrocephalus, nonsyndromic, autosomal recessive; Congenital hydrocephalus 1. Identifiers: Orphanet 2185, MedGen C3887608, MONDO:0009360, OMIM 236600.

Submission:

Variantyx, Inc.
Classification: Likely pathogenic for Hydrocephalus, nonsyndromic, autosomal recessive 1. Last evaluated: 2025-04-16. Review status: criteria provided, single submitter. Criteria: Variantyx Assertion Criteria 2022. Collection method: clinical testing. Allele origin: germline. Inheritance: Autosomal recessive inheritance. Affected: no.
Comment: This is a frameshift variant in the CCDC88C gene (OMIM: 611204). Pathogenic variants in this gene have been associated with autosomal recessive congenital hydrocephalus 1. This variant introduces a premature termination codon in exon 19 out of 30 and is expected to result in loss of function, which is a known disease mechanism for CCDC88C in this disorder (PMID: 34092257, 29341397, 23042809, 21031079) (PVS1). This variant is absent from control populations (PM2). Based on the current evidence, this variant is classified as likely pathogenic for autosomal recessive congenital hydrocephalus 1.

Literature cited by the submitters: PubMed 34092257; PubMed 29341397; PubMed 23042809; PubMed 21031079.

NM_001080414.4(CCDC88C):c.3232dup (p.Glu1078fs)

Gene: CCDC88C (coiled-coil and HOOK domain protein 88C; minus strand). Cytogenetic location: 14q32.11.
Variant type: Duplication.
Coding change: c.3232dup on transcript NM_001080414.4 (MANE Select); coding-DNA position 3232, one base duplicated (G; older notation c.3232dupG).
Protein change: p.Glu1078fs; shifts the reading frame from glutamic acid 1078.
Molecular consequence: frameshift variant. On other transcripts: non-coding transcript variant (2).
Genome position (GRCh38, 1-based): chr14:91,305,890, C duplicated on the plus strand (G on the coding strand, the reverse complement: CCDC88C is on the minus strand); the first of 2 consecutive C bases (chr14:91,305,890-91,305,891); duplicating either gives the same sequence. VCF-style (leftmost placement, unchanged base first): chr14-91305889-T-TC. GRCh37 (hg19) VCF-style: chr14-91772233-T-TC.
Other names: short protein forms E1078fs.
Identifiers: ClinVar variation 4849978 (VCV004849978.1).